The following is an entry in ClinVar:

ClinVar aggregate classification (germline): Conflicting classifications of pathogenicity. Review status: criteria provided, conflicting classifications (1 of 4 stars). 2 submissions from 2 submitters: Uncertain significance (1); Likely benign (1). Last evaluated 2025-01-09.

Conditions:
Lynch syndrome 5 (LYNCH5). Also called: Colorectal cancer, hereditary nonpolyposis, type 5; Hereditary non-polyposis colorectal cancer, type 5. Identifiers: Orphanet 144, MedGen C1833477, MONDO:0013710, OMIM 614350. Disease mechanism: loss of function.
Lynch syndrome. Identifiers: Orphanet 144, MedGen C4552100, MONDO:0005835. Disease mechanism: loss of function.

Submissions (2):

Myriad Genetics, Inc.
Classification: Likely benign for Lynch syndrome 5. Last evaluated: 2025-01-09. Review status: criteria provided, single submitter. Criteria: Myriad Autosomal Dominant, Autosomal Recessive and X-Linked Classification Criteria (2023). Collection method: clinical testing. Allele origin: unknown.
Comment: This variant is considered likely benign. This variant is intronic and is not expected to impact mRNA splicing.

Labcorp Genetics (formerly Invitae), Labcorp
Classification: Uncertain significance for Hereditary nonpolyposis colorectal neoplasms. Last evaluated: 2015-07-08. Review status: criteria provided, single submitter. Criteria: Invitae Variant Classification Sherloc (09022015). Collection method: clinical testing. Allele origin: germline.

NM_000179.3(MSH6):c.4002-9_4002-7del

Gene: MSH6 (mutS homolog 6; plus strand). Cytogenetic location: 2p16.3.
Variant type: Deletion.
Coding change: c.4002-9_4002-7del on transcript NM_000179.3 (MANE Select); 9 bases into the intron before coding-DNA position 4002 through 7 bases into the intron before coding-DNA position 4002, 3 bases deleted (AAT; older notation c.4002-9_4002-7delAAT).
Molecular consequence: intron variant.
Genome position (GRCh38, 1-based): chr2:47,806,770-47,806,772, AAT deleted; deleting any 3 consecutive bases within chr2:47,806,769-47,806,772 gives the same sequence; the c. name uses the placement nearest the transcript's 3' end. VCF-style (leftmost placement, unchanged base first): chr2-47806768-TTAA-T. GRCh37 (hg19) VCF-style: chr2-48033907-TTAA-T.
Other names: c.3096-9_3096-7del (NM_001281493.2, NM_001281494.2); c.3612-9_3612-7del (NM_001281492.2); c.4002-9_4002-7delAAT (NM_000179.2).
Identifiers: ClinVar variation 219465 (VCV000219465.4), dbSNP rs864622105, ClinGen allele CA072615.
Genomic context (GRCh38, chr2:47,806,768, plus strand): 5'-AGTAAAAGGGGAAGGGATGATGCACTATGAAAAAACAAAAAAACTTTTTTTTTTTTTTTT[TTAA>T]TTTTAAGGGAAGTTTGCCTGGCTAGTGAAAGGTCAACTGTAGATGCTGAAGCTGTCCATA-3'